The following is an entry in ClinVar:

NM_001164508.2(NEB):c.1470C>T (p.Asp490=)

Gene: NEB (nebulin; minus strand). Cytogenetic location: 2q23.3.
Variant type: single nucleotide variant.
Coding change: c.1470C>T on transcript NM_001164508.2 (MANE Select); coding-DNA position 1470, C replaced by T.
Protein change: p.Asp490=; no amino-acid change (aspartic acid 490 retained).
Molecular consequence: synonymous variant.
Genome position (GRCh38, 1-based): chr2:151,697,148, G>A on the plus strand (C>T on the coding strand, the complement: NEB is on the minus strand). VCF-style: chr2-151697148-G-A. GRCh37 (hg19) VCF-style: chr2-152553662-G-A.
Other names: c.1470C>T, p.Asp490= (NM_001164507.2, NM_001271208.2, NM_004543.5).
Identifiers: ClinVar variation 508804 (VCV000508804.4), dbSNP rs778189876, ClinGen allele CA1911563.
Genomic context (GRCh38, chr2:151,697,148, plus strand): 5'-ATCCTGACCACTAGATGCTATGGAAGGCAGTCACATTCAAAGTTCAGACTACAGACTTAC[G>A]TCTTTACACTGATCTAGTTTCTTAATTGCTTCATATTCTTGAGTTATGGTCTGAGGGAAG-3'
Protein context (NP_001157980.2, residues 480-500): EAIKKLDQCK[Asp490=]HTYKVHPDKT

ClinVar aggregate classification (germline): Conflicting classifications of pathogenicity. Review status: criteria provided, conflicting classifications (1 of 4 stars). 2 submissions from 2 submitters: Uncertain significance (1); Likely benign (1). Last evaluated 2022-08-23.

Conditions:
Nemaline myopathy 2 (NEM2). Also called: Nemaline myopathy 2, autosomal recessive. Identifiers: MedGen C1850569, MONDO:0009725, OMIM 256030.

Allele frequency attached by ClinVar (database versions not stated): gnomAD exomes 0.00001; TOPMed 0.00001; gnomAD 0.00002 and 0.00001; ExAC 0.00001.
gnomAD v4.1: 19 of 1,609,924 alleles (0.0012%); highest among the groups gnomAD compares: Admixed American, 0.005%; no homozygotes.

Submissions (2):

Labcorp Genetics (formerly Invitae), Labcorp
Classification: Uncertain significance for Nemaline myopathy 2. Last evaluated: 2022-08-23. Review status: criteria provided, single submitter. Criteria: Invitae Variant Classification Sherloc (09022015). Collection method: clinical testing. Allele origin: germline.
Comment: This sequence change affects codon 490 of the NEB mRNA. It is a 'silent' change, meaning that it does not change the encoded amino acid sequence of the NEB protein. It affects a nucleotide within the consensus splice site. This variant is present in population databases (rs778189876, gnomAD 0.002%). This variant has been observed in individual(s) with nemaline myopathy (PMID: 25214167). ClinVar contains an entry for this variant (Variation ID: 508804). Algorithms developed to predict the effect of sequence changes on RNA splicing suggest that this variant is not likely to affect RNA splicing. In summary, the available evidence is currently insufficient to determine the role of this variant in disease. Therefore, it has been classified as a Variant of Uncertain Significance.

GeneDx
Classification: Likely benign. Last evaluated: 2017-04-11. Review status: criteria provided, single submitter. Criteria: GeneDx Variant Classification (06012015). Collection method: clinical testing. Allele origin: germline. Affected: yes.
Comment: This variant is considered likely benign or benign based on one or more of the following criteria: it is a conservative change, it occurs at a poorly conserved position in the protein, it is predicted to be benign by multiple in silico algorithms, and/or has population frequency not consistent with disease.

Literature cited by the submitters: PubMed 25214167 (cited by Labcorp Genetics (formerly Invitae), Labcorp).